The following is an entry in ClinVar:

NM_000170.3(GLDC):c.793C>T (p.Gln265Ter)

Gene: GLDC (glycine decarboxylase; minus strand). Cytogenetic location: 9p24.1.
Variant type: single nucleotide variant.
Coding change: c.793C>T on transcript NM_000170.3 (MANE Select); coding-DNA position 793, C replaced by T.
Protein change: p.Gln265Ter; replaces glutamine 265 with a stop codon.
Molecular consequence: nonsense.
Genome position (GRCh38, 1-based): chr9:6,605,199, G>A on the plus strand (C>T on the coding strand, the complement: GLDC is on the minus strand). VCF-style: chr9-6605199-G-A. GRCh37 (hg19) VCF-style: chr9-6605199-G-A.
Other names: short protein forms Q265*.
Identifiers: ClinVar variation 5015551 (VCV005015551.1).

ClinVar aggregate classification (germline): Pathogenic (1 of 4 stars; one submission).

Conditions:
Glycine encephalopathy 1 (GCE1). Identifiers: MedGen CN376801, MONDO:0958179, OMIM 605899.

Submission:

Myriad Genetics, Inc.
Classification: Pathogenic for Glycine encephalopathy 1. Last evaluated: 2026-02-15. Review status: criteria provided, single submitter. Criteria: Myriad Autosomal Dominant, Autosomal Recessive and X-Linked Classification Criteria (2023). Collection method: clinical testing. Allele origin: unknown.
Comment: NM_000170.2(GLDC):c.793C>T(Q265*) is expected to be pathogenic in the context of glycine encephalopathy, GLDC-related. This variant is predicted to lead to an abnormal or absent protein product due to the creation of a premature termination codon in GLDC, a gene where loss-of-function variants are known to be pathogenic. Please note: this variant was assessed in the context of healthy population screening.